The following is an entry in ClinVar:

ClinVar aggregate classification (germline): Benign. Review status: criteria provided, multiple submitters, no conflicts (2 of 4 stars). 3 submissions from 3 submitters: Benign (2). 1 of the submissions does not count toward it. Last evaluated 2026-02-04.

Conditions:
ITGAM-related disorder. Also called: ITGAM-related condition.

Allele frequency attached by ClinVar (database versions not stated): gnomAD 0.29974 and 0.29685; ExAC 0.34044; gnomAD exomes 0.35118 and 0.35674; 1000 Genomes Project 30x 0.28716; ESP Exome Variant Server 0.29500; 1000 Genomes Project 0.29453; TOPMed 0.30386.
gnomAD v4.1: 567,231 of 1,612,436 alleles (35%); highest among the groups gnomAD compares: East Asian, 75%; 107,890 homozygotes.

Submissions (3):

Labcorp Genetics (formerly Invitae), Labcorp
Classification: Benign. Last evaluated: 2026-02-04. Review status: criteria provided, single submitter. Criteria: Invitae Variant Classification Sherloc (09022015). Collection method: clinical testing. Allele origin: germline.

Breakthrough Genomics
Classification: Benign. Review status: criteria provided, single submitter. Criteria: ACMG Guidelines, 2015. Collection method: not provided. Allele origin: germline. Inheritance: Unknown mechanism. Affected: yes.

PreventionGenetics, part of Exact Sciences
Classification: Benign for ITGAM-related condition. Last evaluated: 2019-10-17. Review status: no assertion criteria provided. Collection method: clinical testing. Allele origin: germline. Not counted in ClinVar's aggregate classification.
Comment: This variant is classified as benign based on ACMG/AMP sequence variant interpretation guidelines (Richards et al. 2015 PMID: 25741868, with internal and published modifications).

NM_000632.4(ITGAM):c.2499G>A (p.Thr833=)

Gene: ITGAM (integrin subunit alpha M; plus strand). Cytogenetic location: 16p11.2.
Variant type: single nucleotide variant.
Coding change: c.2499G>A on transcript NM_000632.4 (MANE Select); coding-DNA position 2499, G replaced by A.
Protein change: p.Thr833=; no amino-acid change (threonine 833 retained).
Molecular consequence: synonymous variant.
Genome position (GRCh38, 1-based): chr16:31,325,398, G>A. VCF-style: chr16-31325398-G-A. GRCh37 (hg19) VCF-style: chr16-31336719-G-A.
Other names: c.2502G>A, p.Thr834= (NM_001145808.2); c.2499G>A (NM_000632.3).
Identifiers: ClinVar variation 1164321 (VCV001164321.12), dbSNP rs1143682, ClinGen allele CA8025839.